The following is an entry in ClinVar:

ClinVar aggregate classification (germline): Uncertain significance (1 of 4 stars; one submission).

Conditions:
Hypoplastic enamel-onycholysis-hypohidrosis syndrome (TNS). Also called: NAIL DYSPLASIA WITH HYPODONTIA; Tooth-and-Nail Syndrome; ECTODERMAL DYSPLASIA 3, WITKOP TYPE; ECTODERMAL DYSPLASIA 3, TOOTH/NAIL TYPE; WITKOP SYNDROME. Identifiers: Orphanet 2228, MedGen C0406735, MONDO:0008582, OMIM 189500.

Allele frequency attached by ClinVar (database versions not stated): 1000 Genomes Project 0.00020; 1000 Genomes Project 30x 0.00016; gnomAD 0.00002.

Submission:

Labcorp Genetics (formerly Invitae), Labcorp
Classification: Uncertain significance for Hypoplastic enamel-onycholysis-hypohidrosis syndrome. Last evaluated: 2026-01-06. Review status: criteria provided, single submitter. Criteria: Invitae Variant Classification Sherloc (09022015). Collection method: clinical testing. Allele origin: germline.
Comment: This sequence change replaces proline, which is neutral and non-polar, with leucine, which is neutral and non-polar, at codon 154 of the MSX1 protein (p.Pro154Leu). This variant is present in population databases (rs545651715, gnomAD 0.04%). This variant has not been reported in the literature in individuals affected with MSX1-related conditions. ClinVar contains an entry for this variant (Variation ID: 2845871). Invitae Evidence Modeling of protein sequence and biophysical properties (such as structural, functional, and spatial information, amino acid conservation, physicochemical variation, residue mobility, and thermodynamic stability) indicates that this missense variant is not expected to disrupt MSX1 protein function with a negative predictive value of 80%. In summary, the available evidence is currently insufficient to determine the role of this variant in disease. Therefore, it has been classified as a Variant of Uncertain Significance.

NM_002448.3(MSX1):c.461C>T (p.Pro154Leu)

Gene: MSX1 (msh homeobox 1; plus strand). Cytogenetic location: 4p16.2.
Variant type: single nucleotide variant.
Coding change: c.461C>T on transcript NM_002448.3 (MANE Select); coding-DNA position 461, C replaced by T.
Protein change: p.Pro154Leu; replaces proline 154 with leucine.
Molecular consequence: missense variant.
Genome position (GRCh38, 1-based): chr4:4,860,360, C>T. VCF-style: chr4-4860360-C-T. GRCh37 (hg19) VCF-style: chr4-4862087-C-T.
Other names: short protein forms P154L.
Identifiers: ClinVar variation 2845871 (VCV002845871.3), dbSNP rs545651715, ClinGen allele CA2832984.